The following is an entry in ClinVar:

NM_001267550.2(TTN):c.7891G>A (p.Val2631Ile)

Gene: TTN (titin; minus strand). Cytogenetic location: 2q31.2.
Variant type: single nucleotide variant.
Coding change: c.7891G>A on transcript NM_001267550.2 (MANE Select); coding-DNA position 7891, G replaced by A.
Protein change: p.Val2631Ile; replaces valine 2631 with isoleucine.
Molecular consequence: missense variant.
Genome position (GRCh38, 1-based): chr2:178,771,436, C>T on the plus strand (G>A on the coding strand, the complement: TTN is on the minus strand). VCF-style: chr2-178771436-C-T. GRCh37 (hg19) VCF-style: chr2-179636163-C-T.
Other names: c.7891G>A, p.Val2631Ile (NM_133378.4, NM_001256850.1, NM_133379.5); c.7753G>A, p.Val2585Ile (NM_003319.4, NM_133432.3, NM_133437.4); short protein forms V2631I, V2585I.
Identifiers: ClinVar variation 332944 (VCV000332944.14), dbSNP rs766753906, ClinGen allele CA2004717.

ClinVar aggregate classification (germline): Conflicting classifications of pathogenicity. Review status: criteria provided, conflicting classifications (1 of 4 stars). 10 submissions from 6 submitters: Uncertain significance (7); Benign (1); Likely benign (2). Last evaluated 2026-03-20.

Conditions:
Dilated cardiomyopathy 1G (CMD1G). Identifiers: Orphanet 154, MedGen C1858763, MONDO:0011400, OMIM 604145.
Autosomal recessive limb-girdle muscular dystrophy type 2J (LGMDR10). Also called: Limb-girdle muscular dystrophy, type 2J; MUSCULAR DYSTROPHY, LIMB-GIRDLE, AUTOSOMAL RECESSIVE 10. Identifiers: Orphanet 140922, MedGen C1837342, MONDO:0012127, OMIM 608807.
Tibial muscular dystrophy (TMD). Also called: UDD MYOPATHY; Tibial muscular dystrophy, tardive; Udd Distal Myopathy – Tibial Muscular Dystrophy. Identifiers: Orphanet 609, MedGen C1838244, MONDO:0010870, OMIM 600334.
TTN-related disorder. Also called: TTN-related disorders; TTN-related condition; TTN-related disease.
Early-onset myopathy with fatal cardiomyopathy (CMYO5). Also called: Salih Myopathy; CONGENITAL MYOPATHY 5 WITH CARDIOMYOPATHY. Identifiers: Orphanet 289377, MedGen C2673677, MONDO:0012714, OMIM 611705. Disease mechanism: loss of function.
Myopathy, myofibrillar, 9, with early respiratory failure (MFM9). Also called: MYOPATHY, PROXIMAL, WITH EARLY RESPIRATORY MUSCLE INVOLVEMENT; Hereditary myopathy with early respiratory failure; Myopathy, distal, with early respiratory failure, autosomal dominant; EDSTROM MYOPATHY. Identifiers: Orphanet 178464, Orphanet 34521, MedGen C1863599, MONDO:0011362, OMIM 603689.

Allele frequency attached by ClinVar (database versions not stated): ExAC 0.00003; gnomAD exomes 0.00003 and 0.00004; gnomAD 0.00007; TOPMed 0.00007.
gnomAD v4.1: 49 of 1,613,776 alleles (0.003%); highest among the groups gnomAD compares: African/African-American, 0.015%; no homozygotes.

Submissions (10):

PreventionGenetics, part of Exact Sciences
Classification: Uncertain significance for TTN-related condition. Last evaluated: 2026-03-20. Review status: criteria provided, single submitter. Criteria: ACMG Guidelines, 2015. Collection method: clinical testing. Allele origin: germline.
Comment: The TTN c.7891G>A variant is predicted to result in the amino acid substitution p.Val2631Ile. To our knowledge, this variant has not been reported in the literature. This variant is reported in 0.012% of alleles in individuals of African descent in gnomAD. At this time, the clinical significance of this variant is uncertain due to the absence of conclusive functional and genetic evidence.

Women's Health and Genetics/Laboratory Corporation of America, LabCorp
Classification: Uncertain significance. Last evaluated: 2025-04-29. Review status: criteria provided, single submitter. Criteria: LabCorp Variant Classification Summary - May 2015. Collection method: clinical testing. Allele origin: germline.

Revvity Omics, Revvity
Classification: Uncertain significance. Last evaluated: 2023-05-02. Review status: criteria provided, single submitter. Criteria: ACMG Guidelines, 2015. Collection method: clinical testing. Allele origin: germline.

Blueprint Genetics
Classification: Uncertain significance. Last evaluated: 2022-10-13. Review status: criteria provided, single submitter. Criteria: ACMG Guidelines, 2015. Collection method: clinical testing. Allele origin: germline.

GeneDx
Classification: Likely benign. Last evaluated: 2020-12-16. Review status: criteria provided, single submitter. Criteria: GeneDx Variant Classification Process June 2021. Collection method: clinical testing. Allele origin: germline. Affected: yes.

Illumina Laboratory Services, Illumina
Classification: Benign for Tibial muscular dystrophy. Last evaluated: 2018-01-12. Review status: criteria provided, single submitter. Criteria: ICSL Variant Classification Criteria 13 December 2019. Collection method: clinical testing. Allele origin: germline.
Comment: This variant was observed in the ICSL laboratory as part of a predisposition screen in an ostensibly healthy population. It had not been previously curated by ICSL or reported in the Human Gene Mutation Database (HGMD: prior to June 1st, 2018), and was therefore a candidate for classification through an automated scoring system. Utilizing variant allele frequency, disease prevalence and penetrance estimates, and inheritance mode, an automated score was calculated to assess if this variant is too frequent to cause the disease. Based on the score and internal cut-off values, a variant classified as benign is not then subjected to further curation. The score for this variant resulted in a classification of benign for this disease.

Illumina Laboratory Services, Illumina
Classification: Uncertain significance for Autosomal recessive limb-girdle muscular dystrophy type 2J. Last evaluated: 2018-01-12. Review status: criteria provided, single submitter. Criteria: ICSL Variant Classification Criteria 13 December 2019. Collection method: clinical testing. Allele origin: germline.

Illumina Laboratory Services, Illumina
Classification: Uncertain significance for Dilated cardiomyopathy 1G. Last evaluated: 2018-01-12. Review status: criteria provided, single submitter. Criteria: ICSL Variant Classification Criteria 13 December 2019. Collection method: clinical testing. Allele origin: germline.

Illumina Laboratory Services, Illumina
Classification: Likely benign for Myopathy, myofibrillar, 9, with early respiratory failure. Last evaluated: 2018-01-12. Review status: criteria provided, single submitter. Criteria: ICSL Variant Classification Criteria 13 December 2019. Collection method: clinical testing. Allele origin: germline.
Comment: This variant was observed in the ICSL laboratory as part of a predisposition screen in an ostensibly healthy population. It had not been previously curated by ICSL or reported in the Human Gene Mutation Database (HGMD: prior to June 1st, 2018), and was therefore a candidate for classification through an automated scoring system. Utilizing variant allele frequency, disease prevalence and penetrance estimates, and inheritance mode, an automated score was calculated to assess if this variant is too frequent to cause the disease. Based on the score and internal cut-off values, a variant classified as likely benign is not then subjected to further curation. The score for this variant resulted in a classification of likely benign for this disease.

Illumina Laboratory Services, Illumina
Classification: Uncertain significance for Early-onset myopathy with fatal cardiomyopathy. Last evaluated: 2018-01-12. Review status: criteria provided, single submitter. Criteria: ICSL Variant Classification Criteria 13 December 2019. Collection method: clinical testing. Allele origin: germline.